The following is an entry in ClinVar:

NM_005592.4(MUSK):c.1384del (p.Thr462fs)

Gene: MUSK (muscle associated receptor tyrosine kinase; plus strand). Cytogenetic location: 9q31.3.
Variant type: Deletion.
Coding change: c.1384del on transcript NM_005592.4 (MANE Select); coding-DNA position 1384, one base deleted (A; older notation c.1384delA).
Protein change: p.Thr462fs; shifts the reading frame from threonine 462.
Molecular consequence: frameshift variant. On other transcripts: intron variant (3).
Genome position (GRCh38, 1-based): chr9:110,776,655, A deleted; the last of 5 consecutive A bases (chr9:110,776,651-110,776,655); deleting any one gives the same sequence. VCF-style (leftmost placement, unchanged base first): chr9-110776650-TA-T. GRCh37 (hg19) VCF-style: chr9-113538930-TA-T.
Other names: c.1126+692del (NM_001166280.2); c.1096+692del (NM_001166281.2); c.124+692del (NM_001369398.1); short protein forms T462fs.
Identifiers: ClinVar variation 2949414 (VCV002949414.3), dbSNP rs2491104190, ClinGen allele CA2579417059.

ClinVar aggregate classification (germline): Pathogenic (1 of 4 stars; one submission).

Conditions:
Fetal akinesia deformation sequence 1 (FADS1). Also called: Fetal akinesia sequence; Pena-Shokeir syndrome type I. Identifiers: Orphanet 994, MedGen C1276035, MONDO:0100101, OMIM 208150, HP:0001989.
Congenital myasthenic syndrome 9. Also called: Myasthenic syndrome, congenital, 9, associated with acetylcholine receptor deficiency. Identifiers: Orphanet 590, MedGen C4225368, MONDO:0014587, OMIM 616325.

Submission:

Labcorp Genetics (formerly Invitae), Labcorp
Classification: Pathogenic for Congenital myasthenic syndrome 9; Fetal akinesia deformation sequence 1. Last evaluated: 2023-06-28. Review status: criteria provided, single submitter. Criteria: Invitae Variant Classification Sherloc (09022015). Collection method: clinical testing. Allele origin: germline.
Comment: This variant has not been reported in the literature in individuals affected with MUSK-related conditions. For these reasons, this variant has been classified as Pathogenic. Algorithms developed to predict the effect of sequence changes on RNA splicing suggest that this variant may disrupt the consensus splice site. This variant is not present in population databases (gnomAD no frequency). This sequence change creates a premature translational stop signal (p.Thr462Hisfs*5) in the MUSK gene. It is expected to result in an absent or disrupted protein product. Loss-of-function variants in MUSK are known to be pathogenic (PMID: 8653786, 25612909, 25695962, 25900532).

Literature cited by the submitters: PubMed 8653786; PubMed 25612909; PubMed 25695962; PubMed 25900532.